The following is an entry in ClinVar:

NM_001291415.2(KDM6A):c.3479C>T (p.Ala1160Val)

Gene: KDM6A (lysine demethylase 6A; plus strand). Cytogenetic location: Xp11.3.
Variant type: single nucleotide variant.
Coding change: c.3479C>T on transcript NM_001291415.2 (MANE Select); coding-DNA position 3479, C replaced by T.
Protein change: p.Ala1160Val; replaces alanine 1160 with valine.
Molecular consequence: missense variant. On other transcripts: non-coding transcript variant (1).
Genome position (GRCh38, 1-based): chrX:45,083,498, C>T. VCF-style: chrX-45083498-C-T. GRCh37 (hg19) VCF-style: chrX-44942743-C-T.
Other names: c.3344C>T, p.Ala1115Val (NM_001291416.2); c.3188C>T, p.Ala1063Val (NM_001291417.2); c.3086C>T, p.Ala1029Val (NM_001291418.2); c.2435C>T, p.Ala812Val (NM_001291421.2); c.3221C>T, p.Ala1074Val (NM_001410742.1); c.3323C>T, p.Ala1108Val (NM_021140.4); short protein forms A1029V, A1108V, A1063V, A1074V, A1115V, A1160V, A812V.
Identifiers: ClinVar variation 1963973 (VCV001963973.5), dbSNP rs2148151541, ClinGen allele CA412804414.

ClinVar aggregate classification (germline): Uncertain significance (1 of 4 stars; one submission).

Conditions:
Kabuki syndrome 2 (KABUK2). Also called: KDM6A-Related Kabuki Syndrome. Identifiers: Orphanet 2322, MedGen C3275495, MONDO:0010465, OMIM 300867.

gnomAD v4.1: 1 of 1,209,370 alleles (0.000083%); no homozygotes.

Submission:

Labcorp Genetics (formerly Invitae), Labcorp
Classification: Uncertain significance for Kabuki syndrome 2. Last evaluated: 2022-06-01. Review status: criteria provided, single submitter. Criteria: Invitae Variant Classification Sherloc (09022015). Collection method: clinical testing. Allele origin: germline.
Comment: This variant is not present in population databases (gnomAD no frequency). In summary, the available evidence is currently insufficient to determine the role of this variant in disease. Therefore, it has been classified as a Variant of Uncertain Significance. Algorithms developed to predict the effect of missense changes on protein structure and function (SIFT, PolyPhen-2, Align-GVGD) all suggest that this variant is likely to be tolerated. This variant has not been reported in the literature in individuals affected with KDM6A-related conditions. This sequence change replaces alanine, which is neutral and non-polar, with valine, which is neutral and non-polar, at codon 1108 of the KDM6A protein (p.Ala1108Val).